The following is an entry in ClinVar:

NM_000038.6(APC):c.1958+2T>A

Gene: APC (APC regulator of Wnt signaling pathway; plus strand). Cytogenetic location: 5q22.2.
Variant type: single nucleotide variant.
Coding change: c.1958+2T>A on transcript NM_000038.6 (MANE Select); the canonical splice donor site of the intron after coding-DNA position 1958, T replaced by A.
Molecular consequence: splice donor variant.
Genome position (GRCh38, 1-based): chr5:112,835,167, T>A. VCF-style: chr5-112835167-T-A. GRCh37 (hg19) VCF-style: chr5-112170864-T-A.
Other names: c.1109+2T>A (NM_001407470.1, NM_001354906.2); c.806+2T>A (NM_001407472.1, NM_001407471.1); c.2012+2T>A (NM_001407447.1, NM_001407448.1, NM_001407449.1 and 1 more transcripts); c.1958+2T>A (NM_001354895.2, NM_001407450.1, NM_001127510.3); c.1709+2T>A (NM_001407456.1, NM_001407457.1, NM_001407455.1 and 1 more transcripts); c.1655+2T>A (NM_001407460.1, NM_001407458.1, NM_001407459.1 and 1 more transcripts); c.1928+2T>A (NM_001407452.1); c.1571+2T>A (NM_001407469.1, NM_001407467.1); and 11 more.
Identifiers: ClinVar variation 1783341 (VCV001783341.4), dbSNP rs2149844646, ClinGen allele CA360623929.

ClinVar aggregate classification (germline): Pathogenic. Review status: criteria provided, multiple submitters, no conflicts (2 of 4 stars). 2 submissions from 2 submitters: Pathogenic (2). Last evaluated 2023-05-03.

Conditions:
Hereditary cancer-predisposing syndrome. Also called: Neoplastic Syndromes, Hereditary; Tumor predisposition; Hereditary Cancer Syndrome; Hereditary neoplastic syndrome. Identifiers: Orphanet 140162, MedGen C0027672, MeSH D009386, MONDO:0015356.
Familial adenomatous polyposis 1 (FAP1). Also called: FAMILIAL ADENOMATOUS POLYPOSIS 1, ATTENUATED; POLYPOSIS, ADENOMATOUS INTESTINAL. Identifiers: MedGen C2713442, MONDO:0021056, OMIM 175100. Disease mechanism: loss of function.

Submissions (2):

Myriad Genetics, Inc.
Classification: Pathogenic for Familial adenomatous polyposis 1. Last evaluated: 2023-05-03. Review status: criteria provided, single submitter. Criteria: Myriad Autosomal Dominant, Autosomal Recessive and X-Linked Classification Criteria (2023). Collection method: clinical testing. Allele origin: unknown.
Comment: This variant is considered pathogenic. This variant occurs within a consensus splice junction and is predicted to result in abnormal mRNA splicing of either an out-of-frame exon or an in-frame exon necessary for protein stability and/or normal function. mRNA analysis has demonstrated abnormal mRNA splicing occurs [PMID: 15459959].

Ambry Genetics
Classification: Pathogenic for Hereditary cancer-predisposing syndrome. Last evaluated: 2018-02-08. Review status: criteria provided, single submitter. Criteria: Ambry Variant Classification Scheme 2023. Collection method: clinical testing. Allele origin: germline.
Comment: The c.1958+2T>A intronic pathogenic mutation results from a T to A substitution two nucleotides after coding exon 14 in the APC gene. A similar alteration affecting this same nucleotide and splice site (c.1958+2T>C) was identified in 1/863 French patients with familial adenomatous polyposis (FAP) (Lagarde A et al. J. Med. Genet. 2010 Oct;47:721-2). In addition to the clinical data presented in the literature, alterations that disrupt the canonical splice site are expected to cause aberrant splicing, resulting in an abnormal protein. As such, this alteration is classified as a disease-causing mutation.

Literature cited by the submitters: PubMed 15459959 (cited by Myriad Genetics, Inc.); PubMed 20685668 (cited by Ambry Genetics); PubMed 9950360 (cited by Ambry Genetics).